The following is an entry in ClinVar:

NM_006892.4(DNMT3B):c.584G>A (p.Ser195Asn)

Gene: DNMT3B (DNA methyltransferase 3 beta; plus strand). Cytogenetic location: 20q11.21.
Variant type: single nucleotide variant.
Coding change: c.584G>A on transcript NM_006892.4 (MANE Select); coding-DNA position 584, G replaced by A.
Protein change: p.Ser195Asn; replaces serine 195 with asparagine.
Molecular consequence: missense variant.
Genome position (GRCh38, 1-based): chr20:32,787,381, G>A. VCF-style: chr20-32787381-G-A. GRCh37 (hg19) VCF-style: chr20-31375187-G-A.
Other names: c.458G>A, p.Ser153Asn (NM_001207055.2); c.356G>A, p.Ser119Asn (NM_001207056.2); c.584G>A, p.Ser195Asn (NM_175848.2, NM_175849.2); c.620G>A, p.Ser207Asn (NM_175850.3); short protein forms S195N, S207N, S153N, S119N.
Identifiers: ClinVar variation 653027 (VCV000653027.7), dbSNP rs1601092841, ClinGen allele CA408586792.

ClinVar aggregate classification (germline): Uncertain significance (1 of 4 stars; one submission).

Conditions:
Centromeric instability of chromosomes 1,9 and 16 and immunodeficiency (ICF1). Also called: IMMUNE DEFICIENCY, VARIABLE, WITH CENTROMERIC INSTABILITY OF CHROMOSOMES 1, 9, AND 16; IMMUNODEFICIENCY SYNDROME, VARIABLE; CENTROMERIC INSTABILITY, IMMUNODEFICIENCY SYNDROME; Immunodeficiency-centromeric instability-facial anomalies. Identifiers: Orphanet 2268, MedGen C0398788, MONDO:0000133.

Allele frequency attached by ClinVar (database versions not stated): gnomAD exomes below 0.00001.

Submission:

Labcorp Genetics (formerly Invitae), Labcorp
Classification: Uncertain significance for Centromeric instability of chromosomes 1,9 and 16 and immunodeficiency. Last evaluated: 2021-08-30. Review status: criteria provided, single submitter. Criteria: Invitae Variant Classification Sherloc (09022015). Collection method: clinical testing. Allele origin: germline.
Comment: This sequence change replaces serine with asparagine at codon 195 of the DNMT3B protein (p.Ser195Asn). The serine residue is moderately conserved and there is a small physicochemical difference between serine and asparagine. This variant is not present in population databases (ExAC no frequency). This variant has not been reported in the literature in individuals affected with DNMT3B-related conditions. Algorithms developed to predict the effect of missense changes on protein structure and function (SIFT, PolyPhen-2, Align-GVGD) all suggest that this variant is likely to be tolerated. In summary, the available evidence is currently insufficient to determine the role of this variant in disease. Therefore, it has been classified as a Variant of Uncertain Significance.